The following is an entry in ClinVar:

ClinVar aggregate classification (germline): Uncertain significance (1 of 4 stars; one submission).

Conditions:
Cardiovascular phenotype. Identifiers: MedGen CN230736.

Allele frequency attached by ClinVar (database versions not stated): TOPMed 0.00001; gnomAD 0.00002.
gnomAD v4.1: 8 of 1,585,142 alleles (0.0005%); highest among the groups gnomAD compares: Non-Finnish European, 0.00069%; no homozygotes.

Submission:

Ambry Genetics
Classification: Uncertain significance for Cardiovascular phenotype. Last evaluated: 2018-11-27. Review status: criteria provided, single submitter. Criteria: Ambry Variant Classification Scheme 2023. Collection method: clinical testing. Allele origin: germline.
Comment: The c.854-2A>T intronic variant results from an A to T substitution two nucleotides upstream from coding exon 10 in the TRDN gene. This nucleotide position is highly conserved in available vertebrate species. Using the BDGP and ESEfinder splice site prediction tools, this alteration is predicted to abolish the native splice acceptor site; however, direct evidence is unavailable. Alterations that disrupt the canonical splice site are expected to cause aberrant splicing, resulting in an abnormal protein or a transcript that is subject to nonsense-mediated mRNA decay. However, this alteration does not impact the predominant cardiac isoform of TRDN (NM_001256021.1; Kobayashi YM et al. J. Biol. Chem., 1999 Oct;274:28660-8). Since supporting evidence is limited at this time, the clinical significance of this alteration remains unclear.

NM_006073.4(TRDN):c.854-2A>T

Genes: TRDN (triadin; minus strand), TRDN-AS1 (TRDN antisense RNA 1; plus strand). Cytogenetic location: 6q22.31.
Variant type: single nucleotide variant.
Coding change: c.854-2A>T on transcript NM_006073.4 (MANE Select); the canonical splice acceptor site of the intron before coding-DNA position 854, A replaced by T.
Molecular consequence: splice acceptor variant.
Genome position (GRCh38, 1-based): chr6:123,464,985, T>A on the plus strand (A>T on the coding strand, the complement: TRDN is on the minus strand). VCF-style: chr6-123464985-T-A. GRCh37 (hg19) VCF-style: chr6-123786130-T-A.
Other names: c.794-2A>T (NM_001407315.1, NM_001256020.2); c.854-2A>T (NM_001251987.2).
Identifiers: ClinVar variation 1763794 (VCV001763794.2), dbSNP rs1178418888, ClinGen allele CA365567015.